The following is an entry in ClinVar:

NM_153676.4(USH1C):c.2568A>G (p.Val856=)

Gene: USH1C (USH1 protein network component harmonin; minus strand). Cytogenetic location: 11p15.1.
Variant type: single nucleotide variant.
Coding change: c.2568A>G on transcript NM_153676.4 (MANE Select); coding-DNA position 2568, A replaced by G.
Protein change: p.Val856=; no amino-acid change (valine 856 retained).
Molecular consequence: synonymous variant. On other transcripts: intron variant (2).
Genome position (GRCh38, 1-based): chr11:17,495,656, T>C on the plus strand (A>G on the coding strand, the complement: USH1C is on the minus strand). VCF-style: chr11-17495656-T-C. GRCh37 (hg19) VCF-style: chr11-17517203-T-C.
Other names: c.1589+1102A>G (NM_001297764.2); c.1646+1102A>G (NM_005709.4).
Identifiers: ClinVar variation 505367 (VCV000505367.13), dbSNP rs1385487954, ClinGen allele CA473303896.

ClinVar aggregate classification (germline): Likely benign. Review status: criteria provided, multiple submitters, no conflicts (2 of 4 stars). 2 submissions from 2 submitters: Likely benign (2). Last evaluated 2018-09-16.

Allele frequency attached by ClinVar (database versions not stated): gnomAD exomes below 0.00001 and 0.00001; gnomAD 0.00001; TOPMed 0.00001.
gnomAD v4.1: 18 of 1,614,156 alleles (0.0011%); highest among the groups gnomAD compares: Non-Finnish European, 0.0012%; no homozygotes.

Submissions (2):

Labcorp Genetics (formerly Invitae), Labcorp
Classification: Likely benign. Last evaluated: 2018-09-16. Review status: criteria provided, single submitter. Criteria: Invitae Variant Classification Sherloc (09022015). Collection method: clinical testing. Allele origin: germline.

Laboratory for Molecular Medicine, Mass General Brigham Personalized Medicine
Classification: Likely benign. Last evaluated: 2016-10-25. Review status: criteria provided, single submitter. Criteria: LMM Criteria. Collection method: clinical testing. Allele origin: germline. Observed: 1 variant allele.
Comment: p.Val856Val in exon 26 of USH1C: This variant is not expected to have clinical s ignificance because it does not alter an amino acid residue and is not located w ithin the splice consensus sequence. It was absent from large population studies .